The following is an entry in ClinVar:

ClinVar aggregate classification (germline): Benign (0 of 4 stars; one submission).

Conditions:
GPR75-related disorder. Also called: GPR75-related condition.

Allele frequency attached by ClinVar (database versions not stated): ExAC 0.00065; gnomAD 0.00218; TOPMed 0.00231; ESP Exome Variant Server 0.00254; 1000 Genomes Project 30x 0.00265; 1000 Genomes Project 0.00280.
gnomAD v4.1: 654 of 1,614,192 alleles (0.041%); highest among the groups gnomAD compares: African/African-American, 0.77%; 2 homozygotes.

Submission:

PreventionGenetics, part of Exact Sciences
Classification: Benign for GPR75-related condition. Last evaluated: 2019-02-21. Review status: no assertion criteria provided. Collection method: clinical testing. Allele origin: germline.
Comment: This variant is classified as benign based on ACMG/AMP sequence variant interpretation guidelines (Richards et al. 2015 PMID: 25741868, with internal and published modifications).

NM_006794.4(GPR75):c.696C>T (p.Asn232=)

Genes: GPR75 (G protein-coupled receptor 75; minus strand), GPR75-ASB3 (GPR75-ASB3 readthrough; minus strand). Cytogenetic location: 2p16.2.
Variant type: single nucleotide variant.
Coding change: c.696C>T on transcript NM_006794.4 (MANE Select); coding-DNA position 696, C replaced by T.
Protein change: p.Asn232=; no amino-acid change (asparagine 232 retained).
Molecular consequence: synonymous variant. On other transcripts: intron variant (1).
Genome position (GRCh38, 1-based): chr2:53,854,061, G>A on the plus strand (C>T on the coding strand, the complement: GPR75 is on the minus strand). VCF-style: chr2-53854061-G-A. GRCh37 (hg19) VCF-style: chr2-54081198-G-A.
Other names: c.101+5767C>T (NM_001164165.2).
Identifiers: ClinVar variation 3034752 (VCV003034752.2), dbSNP rs148081038, ClinGen allele CA1657076.